The following is an entry in ClinVar:

NM_001286577.2(C2CD3):c.6472G>T (p.Ala2158Ser)

Gene: C2CD3 (C2 domain containing 3 centriole elongation regulator; minus strand). Cytogenetic location: 11q13.4.
Variant type: single nucleotide variant.
Coding change: c.6472G>T on transcript NM_001286577.2 (MANE Select); coding-DNA position 6472, G replaced by T.
Protein change: p.Ala2158Ser; replaces alanine 2158 with serine.
Molecular consequence: missense variant.
Genome position (GRCh38, 1-based): chr11:74,033,688, C>A on the plus strand (G>T on the coding strand, the complement: C2CD3 is on the minus strand). VCF-style: chr11-74033688-C-A. GRCh37 (hg19) VCF-style: chr11-73744733-C-A.
Other names: short protein forms A2158S.
Identifiers: ClinVar variation 2124346 (VCV002124346.2), dbSNP rs2496201256, ClinGen allele CA381820191.

ClinVar aggregate classification (germline): Uncertain significance (1 of 4 stars; one submission).

Submission:

Labcorp Genetics (formerly Invitae), Labcorp
Classification: Uncertain significance. Last evaluated: 2023-12-18. Review status: criteria provided, single submitter. Criteria: Invitae Variant Classification Sherloc (09022015). Collection method: clinical testing. Allele origin: germline.
Comment: The C2CD3 gene has multiple clinically relevant transcripts. This variant occurs in alternate transcript NM_001286577.1, and corresponds to NM_015531.5:c.*910G>T in the primary transcript. This sequence change replaces alanine, which is neutral and non-polar, with serine, which is neutral and polar, at codon 2158 of the C2CD3 protein (p.Ala2158Ser). This variant is not present in population databases (gnomAD no frequency). This variant has not been reported in the literature in individuals affected with C2CD3-related conditions. Experimental studies and prediction algorithms are not available or were not evaluated, and the functional significance of this variant is currently unknown. In summary, the available evidence is currently insufficient to determine the role of this variant in disease. Therefore, it has been classified as a Variant of Uncertain Significance.